The following is an entry in ClinVar:

NM_000264.5(PTCH1):c.3607A>C (p.Ser1203Arg)

Gene: PTCH1 (patched 1; minus strand). Cytogenetic location: 9q22.32.
Variant type: single nucleotide variant.
Coding change: c.3607A>C on transcript NM_000264.5 (MANE Select); coding-DNA position 3607, A replaced by C.
Protein change: p.Ser1203Arg; replaces serine 1203 with arginine.
Molecular consequence: missense variant. On other transcripts: non-coding transcript variant (1).
Genome position (GRCh38, 1-based): chr9:95,449,266, T>G on the plus strand (A>C on the coding strand, the complement: PTCH1 is on the minus strand). VCF-style: chr9-95449266-T-G. GRCh37 (hg19) VCF-style: chr9-98211548-T-G.
Other names: c.3409A>C, p.Ser1137Arg (NM_001083602.3); c.3604A>C, p.Ser1202Arg (NM_001083603.3); c.3154A>C, p.Ser1052Arg (NM_001083604.3, NM_001083605.3, NM_001083606.3 and 1 more transcripts); c.3451A>C, p.Ser1151Arg (NM_001354918.2); short protein forms S1137R, S1203R, S1202R, S1052R, S1151R.
Identifiers: ClinVar variation 570982 (VCV000570982.15), dbSNP rs1564008885, ClinGen allele CA374111308.

ClinVar aggregate classification (germline): Conflicting classifications of pathogenicity. Review status: criteria provided, conflicting classifications (1 of 4 stars). 4 submissions from 4 submitters: Uncertain significance (3); Likely benign (1). Last evaluated 2025-11-23.

Conditions:
Basal cell carcinoma, susceptibility to, 1. Also called: BCC1. Identifiers: MedGen C2751544, MONDO:0011556, OMIM 605462.
Holoprosencephaly 7 (HPE7). Identifiers: Orphanet 2162, MedGen C1835820, MONDO:0012562, OMIM 610828.
Basal cell nevus syndrome 1 (BCNS1). Also called: GORLIN-GOLTZ SYNDROME; MULTIPLE BASAL CELL NEVI, ODONTOGENIC KERATOCYSTS, AND SKELETAL ANOMALIES. Identifiers: MedGen CN376810, MONDO:0958174, OMIM 109400.
Hereditary cancer-predisposing syndrome. Also called: Hereditary neoplastic syndrome; Neoplastic Syndromes, Hereditary; Hereditary Cancer Syndrome; Tumor predisposition. Identifiers: Orphanet 140162, MedGen C0027672, MeSH D009386, MONDO:0015356.
Gorlin syndrome. Also called: Nevoid Basal Cell Carcinoma Syndrome; Basal cell nevus syndrome. Identifiers: Orphanet 377, MedGen C0004779, MONDO:0007187.

Allele frequency attached by ClinVar (database versions not stated): gnomAD exomes below 0.00001; TOPMed below 0.00001; gnomAD 0.00001.
gnomAD v4.1: 15 of 1,564,386 alleles (0.00096%); highest among the groups gnomAD compares: Middle Eastern, 0.066%; no homozygotes.

Submissions (4):

Labcorp Genetics (formerly Invitae), Labcorp
Classification: Uncertain significance for Gorlin syndrome. Last evaluated: 2025-11-23. Review status: criteria provided, single submitter. Criteria: Invitae Variant Classification Sherloc (09022015). Collection method: clinical testing. Allele origin: germline.
Comment: This sequence change replaces serine, which is neutral and polar, with arginine, which is basic and polar, at codon 1203 of the PTCH1 protein (p.Ser1203Arg). This variant is not present in population databases (gnomAD no frequency). This variant has not been reported in the literature in individuals affected with PTCH1-related conditions. ClinVar contains an entry for this variant (Variation ID: 570982). Invitae Evidence Modeling of protein sequence and biophysical properties (such as structural, functional, and spatial information, amino acid conservation, physicochemical variation, residue mobility, and thermodynamic stability) indicates that this missense variant is not expected to disrupt PTCH1 protein function with a negative predictive value of 95%. In summary, the available evidence is currently insufficient to determine the role of this variant in disease. Therefore, it has been classified as a Variant of Uncertain Significance.

Fulgent Genetics
Classification: Uncertain significance for Basal cell nevus syndrome 1; Basal cell carcinoma, susceptibility to, 1; Holoprosencephaly 7. Last evaluated: 2024-02-28. Review status: criteria provided, single submitter. Criteria: ACMG Guidelines, 2015. Collection method: clinical testing. Allele origin: germline.

Ambry Genetics
Classification: Likely benign for Hereditary cancer-predisposing syndrome. Last evaluated: 2022-11-15. Review status: criteria provided, single submitter. Criteria: Ambry Variant Classification Scheme 2023. Collection method: clinical testing. Allele origin: germline.

Sema4
Classification: Uncertain significance for Hereditary cancer-predisposing syndrome. Last evaluated: 2022-01-18. Review status: criteria provided, single submitter. Criteria: Sema4 Curation Guidelines. Collection method: curation. Allele origin: germline.
Comment: The PTCH1 c.3607A>C (p.S1203R) variant has been reported in heterozygosity in at least 2 individuals with Kallmann syndrome and congenital hypogonadotropic hypogonadism (PMID: 32074614, 34426522). It was not observed in the large and broad cohorts of the Genome Aggregation Database (PMID: 32461654). This variant has been reported in ClinVar (Variation ID: 570982). Functional studies have not been performed, and in silico predictions of the variant's effect on protein function are inconclusive. The evidence is insufficient to meet ACMG/AMP criteria for classifying the variant as benign or pathogenic. Thus, the clinical significance of this variant is currently uncertain.

Literature cited by the submitters: PubMed 32074614 (cited by Ambry Genetics and Sema4); PubMed 34426522 (cited by Sema4).